The following is an entry in ClinVar:

NM_014314.4(RIGI):c.1463G>T (p.Arg488Ile)

Gene: RIGI (RNA sensor RIG-I; minus strand). Cytogenetic location: 9p21.1.
Variant type: single nucleotide variant.
Coding change: c.1463G>T on transcript NM_014314.4 (MANE Select); coding-DNA position 1463, G replaced by T.
Protein change: p.Arg488Ile; replaces arginine 488 with isoleucine.
Molecular consequence: missense variant.
Genome position (GRCh38, 1-based): chr9:32,485,192, C>A on the plus strand (G>T on the coding strand, the complement: RIGI is on the minus strand). VCF-style: chr9-32485192-C-A. GRCh37 (hg19) VCF-style: chr9-32485190-C-A.
Other names: c.1457G>T, p.Arg486Ile (NM_001385907.1); c.1463G>T, p.Arg488Ile (NM_001385909.1); c.1022G>T, p.Arg341Ile (NM_001385910.1); c.854G>T, p.Arg285Ile (NM_001385912.1); c.1448G>T, p.Arg483Ile (NM_001385913.1); c.1019G>T, p.Arg340Ile (NM_001385914.1); short protein forms R340I, R486I, R285I, R341I, R483I, R488I.
Identifiers: ClinVar variation 3001962 (VCV003001962.3), dbSNP rs374762120, ClinGen allele CA192377549.
Genomic context (GRCh38, chr9:32,485,192, plus strand): 5'-TATTCCCCAGTAGAGAGAACACAAAATATGAGATTTATCTCACCGAGGTCTTTGCAGATT[C>A]TCTTTGCCAGACTCTCTGTGTCCCTCATCAGCTGAGCTATGATGTATTTAAATTTGTCGC-3'
Protein context (NP_055129.2, residues 478-498): LMRDTESLAK[Arg488Ile]ICKDLENLSQ

ClinVar aggregate classification (germline): Uncertain significance (1 of 4 stars; one submission).

Allele frequency attached by ClinVar (database versions not stated): ESP Exome Variant Server 0.00008.
gnomAD v4.1: 1 of 1,603,238 alleles (0.000062%); highest among the groups gnomAD compares: Non-Finnish European, 0.000085%; no homozygotes.

Submission:

Labcorp Genetics (formerly Invitae), Labcorp
Classification: Uncertain significance. Last evaluated: 2024-11-05. Review status: criteria provided, single submitter. Criteria: Invitae Variant Classification Sherloc (09022015). Collection method: clinical testing. Allele origin: germline.
Comment: This sequence change replaces arginine, which is basic and polar, with isoleucine, which is neutral and non-polar, at codon 488 of the DDX58 protein (p.Arg488Ile). This variant is not present in population databases (gnomAD no frequency). This variant has not been reported in the literature in individuals affected with DDX58-related conditions. ClinVar contains an entry for this variant (Variation ID: 3001962). An algorithm developed to predict the effect of missense changes on protein structure and function (PolyPhen-2) suggests that this variant is likely to be tolerated. In summary, the available evidence is currently insufficient to determine the role of this variant in disease. Therefore, it has been classified as a Variant of Uncertain Significance.